The following is an entry in ClinVar:

NM_000095.3(COMP):c.1590C>A (p.Asp530Glu)

Gene: COMP (cartilage oligomeric matrix protein; minus strand). Cytogenetic location: 19p13.11.
Variant type: single nucleotide variant.
Coding change: c.1590C>A on transcript NM_000095.3 (MANE Select); coding-DNA position 1590, C replaced by A.
Protein change: p.Asp530Glu; replaces aspartic acid 530 with glutamic acid.
Molecular consequence: missense variant.
Genome position (GRCh38, 1-based): chr19:18,785,751, G>T on the plus strand (C>A on the coding strand, the complement: COMP is on the minus strand). VCF-style: chr19-18785751-G-T. GRCh37 (hg19) VCF-style: chr19-18896561-G-T.
Other names: short protein forms D530E.
Identifiers: ClinVar variation 328615 (VCV000328615.11), dbSNP rs759687021, ClinGen allele CA9316351.

ClinVar aggregate classification (germline): Conflicting classifications of pathogenicity. Review status: criteria provided, conflicting classifications (1 of 4 stars). 4 submissions from 3 submitters: Uncertain significance (2); Likely benign (1). 1 of the submissions does not count toward it. Last evaluated 2025-02-10.

Conditions:
COMP-related disorder. Also called: COMP-related condition; COMP-related disorders.
Pseudoachondroplastic spondyloepiphyseal dysplasia syndrome (PSACH). Also called: COMP-Related Pseudoachondroplasia; PSEUDOACHONDROPLASTIC DYSPLASIA; Pseudoachondroplasia. Identifiers: Orphanet 750, MedGen C0410538, MONDO:0008322, OMIM 177170.
Multiple epiphyseal dysplasia type 1. Also called: COMP-Related Multiple Epiphyseal Dysplasia. Identifiers: Orphanet 93308, MedGen C1838280, MONDO:0007561, OMIM 132400.

Allele frequency attached by ClinVar (database versions not stated): ExAC 0.00003; gnomAD 0.00003; gnomAD exomes 0.00004 and 0.00007; TOPMed 0.00005.
gnomAD v4.1: 69 of 1,613,392 alleles (0.0043%); highest among the groups gnomAD compares: Non-Finnish European, 0.00093%; no homozygotes.

Submissions (4):

Labcorp Genetics (formerly Invitae), Labcorp
Classification: Likely benign. Last evaluated: 2025-02-10. Review status: criteria provided, single submitter. Criteria: Invitae Variant Classification Sherloc (09022015). Collection method: clinical testing. Allele origin: germline.

Illumina Laboratory Services, Illumina
Classification: Uncertain significance for Pseudoachondroplastic spondyloepiphyseal dysplasia syndrome. Last evaluated: 2018-01-13. Review status: criteria provided, single submitter. Criteria: ICSL Variant Classification Criteria 13 December 2019. Collection method: clinical testing. Allele origin: germline.

Illumina Laboratory Services, Illumina
Classification: Uncertain significance for Multiple epiphyseal dysplasia type 1. Last evaluated: 2018-01-13. Review status: criteria provided, single submitter. Criteria: ICSL Variant Classification Criteria 13 December 2019. Collection method: clinical testing. Allele origin: germline.

PreventionGenetics, part of Exact Sciences
Classification: Likely benign for COMP-related condition. Last evaluated: 2021-02-09. Review status: no assertion criteria provided. Collection method: clinical testing. Allele origin: germline. Not counted in ClinVar's aggregate classification.
Comment: This variant is classified as likely benign based on ACMG/AMP sequence variant interpretation guidelines (Richards et al. 2015 PMID: 25741868, with internal and published modifications).